The following is an entry in ClinVar:

ClinVar aggregate classification (germline): Likely pathogenic (1 of 4 stars; one submission).

Conditions:
Arterial tortuosity syndrome (ATORS). Identifiers: Orphanet 3342, MedGen C1859726, MONDO:0008818, OMIM 208050.

gnomAD v4.1: 1 of 1,614,186 alleles (0.000062%); highest among the groups gnomAD compares: Non-Finnish European, 0.000085%; no homozygotes.

Submission:

Shaine Morris Lab, Baylor College of Medicine
Classification: Likely pathogenic for Arterial tortuosity syndrome. Last evaluated: 2023-07-11. Review status: criteria provided, single submitter. Criteria: ACMG Guidelines, 2015. Collection method: clinical testing. Allele origin: unknown. Inheritance: Autosomal recessive inheritance. Affected: yes. Observed: 1 variant allele, 1 homozygote.
Comment: Classified as "suggested to be strongly pathogenic" by laboratory report in 2010. Classified as VUS in VarSome. VarSome germline classification is 4 points (5 P - 1 B). This variant for this particular patient meets ACMG criteria PP4, PP3, PM2, and PM5.

Literature cited by the submitters: PubMed 29323665.

NM_030777.4(SLC2A10):c.68G>T (p.Gly23Val)

Gene: SLC2A10 (solute carrier family 2 member 10; plus strand). Cytogenetic location: 20q13.12.
Variant type: single nucleotide variant.
Coding change: c.68G>T on transcript NM_030777.4 (MANE Select); coding-DNA position 68, G replaced by T.
Protein change: p.Gly23Val; replaces glycine 23 with valine.
Molecular consequence: missense variant.
Genome position (GRCh38, 1-based): chr20:46,725,104, G>T. VCF-style: chr20-46725104-G-T. GRCh37 (hg19) VCF-style: chr20-45353743-G-T.
Other names: short protein forms G23V.
Identifiers: ClinVar variation 2572075 (VCV002572075.2), dbSNP rs1979801533, ClinGen allele CA409266281.
Genomic context (GRCh38, chr20:46,725,104, plus strand): 5'-ACTCCCCACCTGTCCTGCCTTTGTGTGCCTCTGTGTCTTTGCTGGGTGGCCTGACCTTTG[G>T]TTATGAACTGGCAGTCATATCAGGTGCCCTGCTGCCACTGCAGCTTGACTTTGGGCTAAG-3'
Protein context (NP_110404.1, residues 13-33): SVSLLGGLTF[Gly23Val]YELAVISGAL